The following is an entry in ClinVar:

ClinVar aggregate classification (germline): Uncertain significance (1 of 4 stars; one submission).

Conditions:
Epileptic encephalopathy. Identifiers: MedGen C0543888, HP:0200134.

Submission:

Labcorp Genetics (formerly Invitae), Labcorp
Classification: Uncertain significance for Epileptic encephalopathy. Last evaluated: 2022-07-11. Review status: criteria provided, single submitter. Criteria: Invitae Variant Classification Sherloc (09022015). Collection method: clinical testing. Allele origin: germline.
Comment: In summary, the available evidence is currently insufficient to determine the role of this variant in disease. Therefore, it has been classified as a Variant of Uncertain Significance. Algorithms developed to predict the effect of missense changes on protein structure and function (SIFT, PolyPhen-2, Align-GVGD) all suggest that this variant is likely to be tolerated. This variant has not been reported in the literature in individuals affected with FASN-related conditions. This variant is not present in population databases (gnomAD no frequency). This sequence change replaces valine, which is neutral and non-polar, with leucine, which is neutral and non-polar, at codon 1617 of the FASN protein (p.Val1617Leu).

NM_004104.5(FASN):c.4849G>C (p.Val1617Leu)

Gene: FASN (fatty acid synthase; minus strand). Cytogenetic location: 17q25.3.
Variant type: single nucleotide variant.
Coding change: c.4849G>C on transcript NM_004104.5 (MANE Select); coding-DNA position 4849, G replaced by C.
Protein change: p.Val1617Leu; replaces valine 1617 with leucine.
Molecular consequence: missense variant.
Genome position (GRCh38, 1-based): chr17:82,084,304, C>G on the plus strand (G>C on the coding strand, the complement: FASN is on the minus strand). VCF-style: chr17-82084304-C-G. GRCh37 (hg19) VCF-style: chr17-80042180-C-G.
Other names: short protein forms V1617L.
Identifiers: ClinVar variation 1990376 (VCV001990376.4), dbSNP rs2034047191, ClinGen allele CA401543494.